The following is an entry in ClinVar:

NM_000135.4(FANCA):c.1492C>G (p.Leu498Val)

Gene: FANCA (FA complementation group A; minus strand). Cytogenetic location: 16q24.3.
Variant type: single nucleotide variant.
Coding change: c.1492C>G on transcript NM_000135.4 (MANE Select); coding-DNA position 1492, C replaced by G.
Protein change: p.Leu498Val; replaces leucine 498 with valine.
Molecular consequence: missense variant.
Genome position (GRCh38, 1-based): chr16:89,783,081, G>C on the plus strand (C>G on the coding strand, the complement: FANCA is on the minus strand). VCF-style: chr16-89783081-G-C. GRCh37 (hg19) VCF-style: chr16-89849489-G-C.
Other names: c.1492C>G, p.Leu498Val (NM_001286167.3); short protein forms L498V.
Identifiers: ClinVar variation 1406440 (VCV001406440.6), dbSNP rs1486117630, ClinGen allele CA397458207.

ClinVar aggregate classification (germline): Uncertain significance (1 of 4 stars; one submission).

Conditions:
Fanconi anemia (FA). Also called: Fanconi's anemia. Identifiers: Orphanet 84, MedGen C0015625, MeSH D005199, MONDO:0019391.

gnomAD v4.1: 2 of 1,613,566 alleles (0.00012%); highest among the groups gnomAD compares: Non-Finnish European, 0.00017%; no homozygotes.

Submission:

Labcorp Genetics (formerly Invitae), Labcorp
Classification: Uncertain significance for Fanconi anemia. Last evaluated: 2023-10-16. Review status: criteria provided, single submitter. Criteria: Invitae Variant Classification Sherloc (09022015). Collection method: clinical testing. Allele origin: germline.
Comment: This sequence change replaces leucine, which is neutral and non-polar, with valine, which is neutral and non-polar, at codon 498 of the FANCA protein (p.Leu498Val). This variant is not present in population databases (gnomAD no frequency). This variant has not been reported in the literature in individuals affected with FANCA-related conditions. ClinVar contains an entry for this variant (Variation ID: 1406440). Advanced modeling of protein sequence and biophysical properties (such as structural, functional, and spatial information, amino acid conservation, physicochemical variation, residue mobility, and thermodynamic stability) performed at Invitae indicates that this missense variant is expected to disrupt FANCA protein function. In summary, the available evidence is currently insufficient to determine the role of this variant in disease. Therefore, it has been classified as a Variant of Uncertain Significance.